The following is an entry in ClinVar:

ClinVar aggregate classification (germline): Likely pathogenic (1 of 4 stars; one submission).

Conditions:
Primary ciliary dyskinesia. Also called: Ciliary dyskinesia. Identifiers: Orphanet 244, MedGen C0008780, MONDO:0016575, HP:0012265.

Submission:

Labcorp Genetics (formerly Invitae), Labcorp
Classification: Likely pathogenic for Primary ciliary dyskinesia. Last evaluated: 2024-01-13. Review status: criteria provided, single submitter. Criteria: Invitae Variant Classification Sherloc (09022015). Collection method: clinical testing. Allele origin: germline.
Comment: This sequence change affects a donor splice site in intron 3 of the DNAI2 gene. It is expected to disrupt RNA splicing. Variants that disrupt the donor or acceptor splice site typically lead to a loss of protein function (PMID: 16199547), and loss-of-function variants in DNAI2 are known to be pathogenic (PMID: 18950741, 23891469). This variant is not present in population databases (gnomAD no frequency). This variant has not been reported in the literature in individuals affected with DNAI2-related conditions. Algorithms developed to predict the effect of sequence changes on RNA splicing suggest that this variant may disrupt the consensus splice site. In summary, the currently available evidence indicates that the variant is pathogenic, but additional data are needed to prove that conclusively. Therefore, this variant has been classified as Likely Pathogenic.

Literature cited by the submitters: PubMed 16199547; PubMed 18950741; PubMed 23891469.

NM_023036.6(DNAI2):c.345+2T>C

Gene: DNAI2 (dynein axonemal intermediate chain 2; plus strand). Cytogenetic location: 17q25.1.
Variant type: single nucleotide variant.
Coding change: c.345+2T>C on transcript NM_023036.6 (MANE Select); the canonical splice donor site of the intron after coding-DNA position 345, T replaced by C.
Molecular consequence: splice donor variant.
Genome position (GRCh38, 1-based): chr17:74,285,203, T>C. VCF-style: chr17-74285203-T-C. GRCh37 (hg19) VCF-style: chr17-72281342-T-C.
Other names: c.345+2T>C (NM_001353167.2, NM_001172810.3).
Identifiers: ClinVar variation 2709260 (VCV002709260.3), dbSNP rs2509693120, ClinGen allele CA400903931.
Genomic context (GRCh38, chr17:74,285,203, plus strand): 5'-TCCGGAAGAAAGTGGAGAAAGATGAGAACTACGTTAACGCCATCATGCAGCTCGGCTCTG[T>C]AAGGCTTCCTCCTGCCCCAGCTGCAAGAGCCCCATCCATCACTGCAGCTCCCCAAGGGAT-3'